The following is an entry in ClinVar:

ClinVar aggregate classification (germline): Uncertain significance (1 of 4 stars; one submission).

gnomAD v4.1: 10 of 1,613,392 alleles (0.00062%); highest among the groups gnomAD compares: Admixed American, 0.0017%; no homozygotes.

Submission:

Labcorp Genetics (formerly Invitae), Labcorp
Classification: Uncertain significance. Last evaluated: 2025-08-31. Review status: criteria provided, single submitter. Criteria: Invitae Variant Classification Sherloc (09022015). Collection method: clinical testing. Allele origin: germline.
Comment: This sequence change replaces histidine, which is basic and polar, with tyrosine, which is neutral and polar, at codon 360 of the CFH protein (p.His360Tyr). This variant is present in population databases (no rsID available, gnomAD 0.004%). This variant has not been reported in the literature in individuals affected with CFH-related conditions. An algorithm developed to predict the effect of missense changes on protein structure and function outputs the following: PolyPhen-2: "Benign". The tyrosine amino acid residue is found in multiple mammalian species, which suggests that this missense change does not adversely affect protein function. In summary, the available evidence is currently insufficient to determine the role of this variant in disease. Therefore, it has been classified as a Variant of Uncertain Significance.

NM_000186.4(CFH):c.1078C>T (p.His360Tyr)

Gene: CFH (complement factor H; plus strand). Cytogenetic location: 1q31.3.
Variant type: single nucleotide variant.
Coding change: c.1078C>T on transcript NM_000186.4 (MANE Select); coding-DNA position 1078, C replaced by T.
Protein change: p.His360Tyr; replaces histidine 360 with tyrosine.
Molecular consequence: missense variant.
Genome position (GRCh38, 1-based): chr1:196,689,533, C>T. VCF-style: chr1-196689533-C-T. GRCh37 (hg19) VCF-style: chr1-196658663-C-T.
Other names: c.1078C>T, p.His360Tyr (NM_001014975.3); short protein forms H360Y.
Identifiers: ClinVar variation 4781750 (VCV004781750.1).